The following is an entry in ClinVar:

NM_000218.3(KCNQ1):c.1591-1G>C

Gene: KCNQ1 (potassium voltage-gated channel subfamily Q member 1; plus strand). Cytogenetic location: 11p15.5.
Variant type: single nucleotide variant.
Coding change: c.1591-1G>C on transcript NM_000218.3 (MANE Select); the canonical splice acceptor site of the intron before coding-DNA position 1591, G replaced by C.
Molecular consequence: splice acceptor variant.
Genome position (GRCh38, 1-based): chr11:2,775,959, G>C. VCF-style: chr11-2775959-G-C. GRCh37 (hg19) VCF-style: chr11-2797189-G-C.
Other names: c.1321-1G>C (NM_001406837.1); c.1495-1G>C (NM_001406836.1); c.1051-1G>C (NM_001406838.1); c.1210-1G>C (NM_181798.2); c.1591-1G>C (NM_000218.2).
Identifiers: ClinVar variation 3894017 (VCV003894017.2).

ClinVar aggregate classification (germline): Likely pathogenic. Review status: criteria provided, multiple submitters, no conflicts (2 of 4 stars). 2 submissions from 2 submitters: Likely pathogenic (2). Last evaluated 2026-02-11.

Conditions:
Cardiac arrhythmia. Also called: Arrhythmia; Cardiac rhythm disease. Identifiers: MedGen C0003811, MONDO:0007263, HP:0011675.
Cardiovascular phenotype. Identifiers: MedGen CN230736.

Submissions (2):

Ambry Genetics
Classification: Likely pathogenic for Cardiovascular phenotype. Last evaluated: 2026-02-11. Review status: criteria provided, single submitter. Criteria: Ambry Variant Classification Scheme 2023. Collection method: clinical testing. Allele origin: germline.
Comment: The c.1591-1G>C intronic variant results from a G to C substitution one nucleotide upstream from coding exon 13 of the KCNQ1 gene. This variant occurs at the 3' terminus of the gene, is not expected to trigger nonsense-mediated mRNA decay, and only impacts the last 22% of the protein. The exact functional effect of this variant is unknown; however, the region predicted to be impacted is critical for protein function (Ambry internal data), and a significant portion of the protein is affected (Ambry internal data). This variant is considered to be rare based on population cohorts in the Genome Aggregation Database (gnomAD). This nucleotide position is highly conserved in available vertebrate species. In silico splice site analysis predicts that this alteration will weaken the native splice acceptor site and will result in the creation or strengthening of a novel splice acceptor site. Based on the majority of available evidence to date, this variant is likely to be pathogenic.

Color Diagnostics, LLC DBA Color Health
Classification: Likely pathogenic for Cardiac arrhythmia. Last evaluated: 2024-08-12. Review status: criteria provided, single submitter. Criteria: ACMG Guidelines, 2015. Collection method: clinical testing. Allele origin: germline.
Comment: This variant results in the substitution of G nucleotide with C nucleotide at -1 position in intron 12 splice acceptor site in the KCNQ1 gene. This variant is predicted to disrupt RNA splicing and result in the loss of KCNQ1 gene function. To our knowledge, functional studies have not been reported for this variant. This variant has not been reported in individuals affected with KCNQ1-related disorders in the literature. This variant has not been identified in the general population by the Genome Aggregation Database (gnomAD). A different variant occurring at the same position, c.1591-1G>A, is known to be disease-causing based on functional RNA study and clinical findings (ClinVar variation ID: 666975). Based on the available evidence, this variant is classified as Likely Pathogenic.